The following is an entry in ClinVar:

NM_000504.4(F10):c.872G>A (p.Arg291Gln)

Genes: F10 (coagulation factor X; plus strand), F10-AS2 (F10 antisense RNA 2; minus strand). Cytogenetic location: 13q34.
Variant type: single nucleotide variant.
Coding change: c.872G>A on transcript NM_000504.4 (MANE Select); coding-DNA position 872, G replaced by A.
Protein change: p.Arg291Gln; replaces arginine 291 with glutamine.
Molecular consequence: missense variant.
Genome position (GRCh38, 1-based): chr13:113,148,922, G>A. VCF-style: chr13-113148922-G-A. GRCh37 (hg19) VCF-style: chr13-113803236-G-A.
Other names: c.740G>A, p.Arg247Gln (NM_001312674.2); c.862G>A, p.Gly288Arg (NM_001312675.2); short protein forms R291Q, G288R, R247Q.
Identifiers: ClinVar variation 619972 (VCV000619972.7), dbSNP rs149212700, ClinGen allele CA7060625.

ClinVar aggregate classification (germline): Uncertain significance. Review status: criteria provided, multiple submitters, no conflicts (2 of 4 stars). 3 submissions from 3 submitters: Uncertain significance (3). Last evaluated 2021-12-16.

Conditions:
Hereditary factor X deficiency disease. Also called: STUART-PROWER FACTOR DEFICIENCY; Congenital factor X deficiency. Identifiers: Orphanet 328, MedGen C0272327, MONDO:0009212, OMIM 227600.
Factor X deficiency. Also called: F10 DEFICIENCY. Identifiers: MedGen C0015519, MeSH D005171, MONDO:0002247.

Allele frequency attached by ClinVar (database versions not stated): ESP Exome Variant Server 0.00023; gnomAD 0.00028 and 0.00029; ExAC 0.00035; TOPMed 0.00037; gnomAD exomes 0.00042; 1000 Genomes Project 0.00100; 1000 Genomes Project 30x 0.00109.
gnomAD v4.1: 498 of 1,613,362 alleles (0.031%); highest among the groups gnomAD compares: Middle Eastern, 0.099%; 1 homozygote.

Submissions (3):

GeneDx
Classification: Uncertain significance. Last evaluated: 2021-12-16. Review status: criteria provided, single submitter. Criteria: GeneDx Variant Classification Process June 2021. Collection method: clinical testing. Allele origin: germline. Affected: yes.
Comment: Reported as associated with risk for Factor X deficiency (Bastarache et al., 2018); In silico analysis supports that this missense variant does not alter protein structure/function; This variant is associated with the following publications: (PMID: 29590070)

Center for Precision Medicine, Vanderbilt University Medical Center
Classification: Uncertain significance for Hereditary factor X deficiency disease. Last evaluated: 2018-03-16. Review status: criteria provided, single submitter. Criteria: ACMG Guidelines, 2015. Collection method: research. Allele origin: germline. Inheritance: Autosomal recessive inheritance. Observed: 15 variant alleles, 15 heterozygotes. Clinical features observed: intracranial hemorrhage, hemarthrosis, abnormal coagulation profile, other disorders of soft tissue.

Illumina Laboratory Services, Illumina
Classification: Uncertain significance for Hereditary factor X deficiency disease. Last evaluated: 2018-01-13. Review status: criteria provided, single submitter. Criteria: ICSL Variant Classification Criteria 13 December 2019. Collection method: clinical testing. Allele origin: germline.